The following is an entry in ClinVar:

NM_002641.4(PIGA):c.296A>G (p.Asn99Ser)

Gene: PIGA (phosphatidylinositol glycan anchor biosynthesis class A; minus strand). Cytogenetic location: Xp22.2.
Variant type: single nucleotide variant.
Coding change: c.296A>G on transcript NM_002641.4 (MANE Select); coding-DNA position 296, A replaced by G.
Protein change: p.Asn99Ser; replaces asparagine 99 with serine.
Molecular consequence: missense variant. On other transcripts: non-coding transcript variant (1), intron variant (1).
Genome position (GRCh38, 1-based): chrX:15,331,635, T>C on the plus strand (A>G on the coding strand, the complement: PIGA is on the minus strand). VCF-style: chrX-15331635-T-C. GRCh37 (hg19) VCF-style: chrX-15349757-T-C.
Other names: c.13+3866A>G (NM_020473.3); short protein forms N99S.
Identifiers: ClinVar variation 1971969 (VCV001971969.5), dbSNP rs1253408072, ClinGen allele CA412340677.

ClinVar aggregate classification (germline): Uncertain significance (1 of 4 stars; one submission).

Conditions:
Multiple congenital anomalies-hypotonia-seizures syndrome 2 (MCAHS2). Also called: GLYCOSYLPHOSPHATIDYLINOSITOL BIOSYNTHESIS DEFECT 4; EPILEPTIC ENCEPHALOPATHY, EARLY INFANTILE, 20. Identifiers: Orphanet 300496, MedGen C3275508, MONDO:0010466, OMIM 300868.

gnomAD v4.1: 3 of 1,211,551 alleles (0.00025%); highest among the groups gnomAD compares: Non-Finnish European, 0.00034%; no homozygotes.

Submission:

Labcorp Genetics (formerly Invitae), Labcorp
Classification: Uncertain significance for Multiple congenital anomalies-hypotonia-seizures syndrome 2. Last evaluated: 2022-05-15. Review status: criteria provided, single submitter. Criteria: Invitae Variant Classification Sherloc (09022015). Collection method: clinical testing. Allele origin: germline.
Comment: This sequence change replaces asparagine, which is neutral and polar, with serine, which is neutral and polar, at codon 99 of the PIGA protein (p.Asn99Ser). This variant is not present in population databases (gnomAD no frequency). This variant has not been reported in the literature in individuals affected with PIGA-related conditions. Algorithms developed to predict the effect of missense changes on protein structure and function are either unavailable or do not agree on the potential impact of this missense change (SIFT: "Tolerated"; PolyPhen-2: "Possibly Damaging"; Align-GVGD: "Class C0"). In summary, the available evidence is currently insufficient to determine the role of this variant in disease. Therefore, it has been classified as a Variant of Uncertain Significance.